The following is an entry in ClinVar:

ClinVar aggregate classification (germline): Uncertain significance (1 of 4 stars; one submission).

Conditions:
Hereditary cancer-predisposing syndrome. Also called: Neoplastic Syndromes, Hereditary; Tumor predisposition; Hereditary neoplastic syndrome; Hereditary Cancer Syndrome. Identifiers: Orphanet 140162, MedGen C0027672, MeSH D009386, MONDO:0015356.

Allele frequency attached by ClinVar (database versions not stated): gnomAD exomes below 0.00001.
gnomAD v4.1: 6 of 1,613,876 alleles (0.00037%); highest among the groups gnomAD compares: Non-Finnish European, 0.00051%; no homozygotes.

Submission:

Ambry Genetics
Classification: Uncertain significance for Hereditary cancer-predisposing syndrome. Last evaluated: 2023-09-30. Review status: criteria provided, single submitter. Criteria: Ambry Variant Classification Scheme 2023. Collection method: clinical testing. Allele origin: germline.
Comment: The p.N463T variant (also known as c.1388A>C), located in coding exon 9 of the KIT gene, results from an A to C substitution at nucleotide position 1388. The asparagine at codon 463 is replaced by threonine, an amino acid with similar properties. This amino acid position is conserved. In addition, this alteration is predicted to be tolerated by in silico analysis. Since supporting evidence is limited at this time, the clinical significance of this alteration remains unclear.

NM_000222.3(KIT):c.1388A>C (p.Asn463Thr)

Gene: KIT (KIT proto-oncogene, receptor tyrosine kinase; plus strand). Cytogenetic location: 4q12.
Variant type: single nucleotide variant.
Coding change: c.1388A>C on transcript NM_000222.3 (MANE Select); coding-DNA position 1388, A replaced by C.
Protein change: p.Asn463Thr; replaces asparagine 463 with threonine.
Molecular consequence: missense variant.
Genome position (GRCh38, 1-based): chr4:54,725,898, A>C. VCF-style: chr4-54725898-A-C. GRCh37 (hg19) VCF-style: chr4-55592064-A-C.
Other names: c.1388A>C, p.Asn463Thr (NM_001093772.2, NM_001385285.1, NM_001385286.1); c.1391A>C, p.Asn464Thr (NM_001385284.1, NM_001385288.1, NM_001385290.1 and 1 more transcripts); short protein forms N463T, N464T.
Identifiers: ClinVar variation 3230653 (VCV003230653.1), dbSNP rs2109768433, ClinGen allele CA356906291.